The following is an entry in ClinVar:

ClinVar aggregate classification (germline): Uncertain significance (1 of 4 stars; one submission).

Conditions:
Nephronophthisis 9 (NPHP9). Identifiers: Orphanet 655, MedGen C3151188, MONDO:0013444, OMIM 613824.

Allele frequency attached by ClinVar (database versions not stated): ExAC 0.00001; gnomAD 0.00001; gnomAD exomes 0.00001; TOPMed 0.00003; 1000 Genomes Project 30x 0.00016; 1000 Genomes Project 0.00020.
gnomAD v4.1: 26 of 1,614,120 alleles (0.0016%); highest among the groups gnomAD compares: East Asian, 0.0045%; no homozygotes.

Submission:

Labcorp Genetics (formerly Invitae), Labcorp
Classification: Uncertain significance for Nephronophthisis 9. Last evaluated: 2021-08-12. Review status: criteria provided, single submitter. Criteria: Invitae Variant Classification Sherloc (09022015). Collection method: clinical testing. Allele origin: germline.
Comment: This sequence change replaces valine with methionine at codon 671 of the NEK8 protein (p.Val671Met). The valine residue is highly conserved and there is a small physicochemical difference between valine and methionine. This variant has not been reported in the literature in individuals affected with NEK8-related conditions. ClinVar contains an entry for this variant (Variation ID: 220230). Algorithms developed to predict the effect of missense changes on protein structure and function are either unavailable or do not agree on the potential impact of this missense change (SIFT: "Deleterious"; PolyPhen-2: "Probably Damaging"; Align-GVGD: "Class C0"). In summary, the available evidence is currently insufficient to determine the role of this variant in disease. Therefore, it has been classified as a Variant of Uncertain Significance.

NM_178170.3(NEK8):c.2011G>A (p.Val671Met)

Gene: NEK8 (NIMA related kinase 8; plus strand). Cytogenetic location: 17q11.2.
Variant type: single nucleotide variant.
Coding change: c.2011G>A on transcript NM_178170.3 (MANE Select); coding-DNA position 2011, G replaced by A.
Protein change: p.Val671Met; replaces valine 671 with methionine.
Molecular consequence: missense variant.
Genome position (GRCh38, 1-based): chr17:28,741,532, G>A. VCF-style: chr17-28741532-G-A. GRCh37 (hg19) VCF-style: chr17-27068550-G-A.
Other names: short protein forms V671M.
Identifiers: ClinVar variation 220230 (VCV000220230.2), dbSNP rs202119105, ClinGen allele CA348151.